The following is an entry in ClinVar:

NM_003482.4(KMT2D):c.4180C>G (p.Leu1394Val)

Gene: KMT2D (lysine methyltransferase 2D; minus strand). Cytogenetic location: 12q13.12.
Variant type: single nucleotide variant.
Coding change: c.4180C>G on transcript NM_003482.4 (MANE Select); coding-DNA position 4180, C replaced by G.
Protein change: p.Leu1394Val; replaces leucine 1394 with valine.
Molecular consequence: missense variant.
Genome position (GRCh38, 1-based): chr12:49,048,021, G>C on the plus strand (C>G on the coding strand, the complement: KMT2D is on the minus strand). VCF-style: chr12-49048021-G-C. GRCh37 (hg19) VCF-style: chr12-49441804-G-C.
Other names: short protein forms L1394V.
Identifiers: ClinVar variation 2090953 (VCV002090953.4), dbSNP rs2120620473, ClinGen allele CA384649490.

ClinVar aggregate classification (germline): Uncertain significance (1 of 4 stars; one submission).

Conditions:
Kabuki syndrome. Also called: NIIKAWA-KUROKI SYNDROME; Kabuki make-up syndrome. Identifiers: Orphanet 2322, MedGen C0796004, MONDO:0016512.

Submission:

Labcorp Genetics (formerly Invitae), Labcorp
Classification: Uncertain significance for Kabuki syndrome. Last evaluated: 2022-01-28. Review status: criteria provided, single submitter. Criteria: Invitae Variant Classification Sherloc (09022015). Collection method: clinical testing. Allele origin: germline.
Comment: In summary, the available evidence is currently insufficient to determine the role of this variant in disease. Therefore, it has been classified as a Variant of Uncertain Significance. Algorithms developed to predict the effect of missense changes on protein structure and function are either unavailable or do not agree on the potential impact of this missense change (SIFT: "Deleterious"; PolyPhen-2: "Probably Damaging"; Align-GVGD: "Class C0"). This variant has not been reported in the literature in individuals affected with KMT2D-related conditions. This variant is not present in population databases (gnomAD no frequency). This sequence change replaces leucine, which is neutral and non-polar, with valine, which is neutral and non-polar, at codon 1394 of the KMT2D protein (p.Leu1394Val).